The following is an entry in ClinVar:

NM_001913.5(CUX1):c.1626C>T (p.Ala542=)

Gene: CUX1 (cut like homeobox 1; plus strand). Cytogenetic location: 7q22.1.
Variant type: single nucleotide variant.
Coding change: c.1626C>T on transcript NM_001913.5 (MANE Plus Clinical); coding-DNA position 1626, C replaced by T.
Protein change: p.Ala542=; no amino-acid change (alanine 542 retained).
Molecular consequence: synonymous variant.
Genome position (GRCh38, 1-based): chr7:102,278,011, C>T. VCF-style: chr7-102278011-C-T. GRCh37 (hg19) VCF-style: chr7-101921282-C-T.
Other names: c.1578C>T, p.Ala526= (NM_001202544.3); c.1488C>T, p.Ala496= (NM_001202545.3); c.1509C>T, p.Ala503= (NM_001202546.3); c.1620C>T, p.Ala540= (NM_181500.4).
Identifiers: ClinVar variation 3050616 (VCV003050616.2), dbSNP rs146927122, ClinGen allele CA4411736.

ClinVar aggregate classification (germline): Likely benign (0 of 4 stars; one submission).

Conditions:
CUX1-related disorder. Also called: CUX1-related condition.

Allele frequency attached by ClinVar (database versions not stated): 1000 Genomes Project 30x 0.00047; ESP Exome Variant Server 0.00077; ExAC 0.00024; gnomAD exomes 0.00008; gnomAD 0.00051; TOPMed 0.00054; 1000 Genomes Project 0.00060.
gnomAD v4.1: 195 of 1,609,010 alleles (0.012%); highest among the groups gnomAD compares: African/African-American, 0.17%; no homozygotes.

Submission:

PreventionGenetics, part of Exact Sciences
Classification: Likely benign for CUX1-related condition. Last evaluated: 2019-07-15. Review status: no assertion criteria provided. Collection method: clinical testing. Allele origin: germline.
Comment: This variant is classified as likely benign based on ACMG/AMP sequence variant interpretation guidelines (Richards et al. 2015 PMID: 25741868, with internal and published modifications).